The following is an entry in ClinVar:

ClinVar aggregate classification (germline): Uncertain significance (1 of 4 stars; one submission).

Conditions:
Inborn genetic diseases. Identifiers: MedGen C0950123, MeSH D030342.

Allele frequency attached by ClinVar (database versions not stated): TOPMed below 0.00001.

Submission:

Ambry Genetics
Classification: Uncertain significance for Inborn genetic diseases. Last evaluated: 2021-07-12. Review status: criteria provided, single submitter. Criteria: Ambry Variant Classification Scheme 2023. Collection method: clinical testing. Allele origin: germline.
Comment: The p.I1113F variant (also known as c.3337A>T), located in coding exon 16 of the ATR gene, results from an A to T substitution at nucleotide position 3337. The isoleucine at codon 1113 is replaced by phenylalanine, an amino acid with highly similar properties. This amino acid position is conserved. In addition, this alteration is predicted to be tolerated by in silico analysis. Since supporting evidence is limited at this time, the clinical significance of this alteration remains unclear.

NM_001184.4(ATR):c.3337A>T (p.Ile1113Phe)

Gene: ATR (ATR checkpoint kinase; minus strand). Cytogenetic location: 3q23.
Variant type: single nucleotide variant.
Coding change: c.3337A>T on transcript NM_001184.4 (MANE Select); coding-DNA position 3337, A replaced by T.
Protein change: p.Ile1113Phe; replaces isoleucine 1113 with phenylalanine.
Molecular consequence: missense variant.
Genome position (GRCh38, 1-based): chr3:142,547,745, T>A on the plus strand (A>T on the coding strand, the complement: ATR is on the minus strand). VCF-style: chr3-142547745-T-A. GRCh37 (hg19) VCF-style: chr3-142266587-T-A.
Other names: c.3145A>T, p.Ile1049Phe (NM_001354579.2); short protein forms I1049F, I1113F.
Identifiers: ClinVar variation 1730362 (VCV001730362.2), dbSNP rs756443045, ClinGen allele CA354810356.